The following is an entry in ClinVar:

NM_001384474.1(LOXHD1):c.6562C>T (p.Arg2188Trp)

Gene: LOXHD1 (lipoxygenase homology PLAT domains 1; minus strand). Cytogenetic location: 18q21.1.
Variant type: single nucleotide variant.
Coding change: c.6562C>T on transcript NM_001384474.1 (MANE Select); coding-DNA position 6562, C replaced by T.
Protein change: p.Arg2188Trp; replaces arginine 2188 with tryptophan.
Molecular consequence: missense variant.
Genome position (GRCh38, 1-based): chr18:46,477,732, G>A on the plus strand (C>T on the coding strand, the complement: LOXHD1 is on the minus strand). VCF-style: chr18-46477732-G-A. GRCh37 (hg19) VCF-style: chr18-44057695-G-A.
Other names: c.6376C>T (NM_144612.6); c.3229C>T, p.Arg1077Trp (NM_001145472.3); c.1279C>T, p.Arg427Trp (NM_001145473.3, NM_001173129.2); c.2941C>T, p.Arg981Trp (NM_001308013.2); c.6376C>T, p.Arg2126Trp (NM_144612.7); short protein forms R1077W, R2126W, R2188W, R427W, R981W.
Identifiers: ClinVar variation 992163 (VCV000992163.25), dbSNP rs771007568, ClinGen allele CA8952035.

ClinVar aggregate classification (germline): Conflicting classifications of pathogenicity. Review status: criteria provided, conflicting classifications (1 of 4 stars). 3 submissions from 3 submitters: Uncertain significance (1); Likely benign (1). 1 of the submissions does not count toward it. Last evaluated 2025-09-28.

Conditions:
Autosomal recessive nonsyndromic hearing loss 77. Identifiers: Orphanet 90636, MedGen C2746083, MONDO:0013119, OMIM 613079.
Inborn genetic diseases. Identifiers: MedGen C0950123, MeSH D030342.

Allele frequency attached by ClinVar (database versions not stated): gnomAD exomes 0.00007; gnomAD 0.00008 and 0.00010; TOPMed 0.00008; ExAC 0.00009.
gnomAD v4.1: 69 of 1,551,780 alleles (0.0044%); highest among the groups gnomAD compares: South Asian, 0.054%; no homozygotes.

Submissions (3):

Ambry Genetics
Classification: Uncertain significance for Inborn genetic diseases. Last evaluated: 2025-09-28. Review status: criteria provided, single submitter. Criteria: Ambry Variant Classification Scheme 2023. Collection method: clinical testing. Allele origin: germline.

CeGaT Center for Human Genetics Tuebingen
Classification: Likely benign. Last evaluated: 2023-08-01. Review status: criteria provided, single submitter. Criteria: CeGaT Center For Human Genetics Tuebingen Variant Classification Criteria Version 2. Collection method: clinical testing. Allele origin: germline. Affected: yes. Observed: 1 variant allele.
Comment: LOXHD1: BS1:Supporting

Natera, Inc.
Classification: Uncertain significance for Autosomal recessive deafness type 77. Last evaluated: 2020-08-14. Review status: no assertion criteria provided. Collection method: clinical testing. Allele origin: germline. Not counted in ClinVar's aggregate classification.